The following is an entry in ClinVar:

NM_001042492.3(NF1):c.7448C>G (p.Pro2483Arg)

Gene: NF1 (neurofibromin 1; plus strand). Cytogenetic location: 17q11.2.
Variant type: single nucleotide variant.
Coding change: c.7448C>G on transcript NM_001042492.3 (MANE Select); coding-DNA position 7448, C replaced by G.
Protein change: p.Pro2483Arg; replaces proline 2483 with arginine.
Molecular consequence: missense variant.
Genome position (GRCh38, 1-based): chr17:31,350,309, C>G. VCF-style: chr17-31350309-C-G. GRCh37 (hg19) VCF-style: chr17-29677327-C-G.
Other names: c.7385C>G, p.Pro2462Arg (NM_000267.4); short protein forms P2483R, P2462R.
Identifiers: ClinVar variation 967537 (VCV000967537.9), dbSNP rs2070108464, ClinGen allele CA399017211.

ClinVar aggregate classification (germline): Conflicting classifications of pathogenicity. Review status: criteria provided, conflicting classifications (1 of 4 stars). 2 submissions from 2 submitters: Uncertain significance (1); Likely benign (1). Last evaluated 2026-07-09.

Conditions:
Hereditary cancer-predisposing syndrome. Also called: Neoplastic Syndromes, Hereditary; Hereditary Cancer Syndrome; Tumor predisposition; Hereditary neoplastic syndrome. Identifiers: Orphanet 140162, MedGen C0027672, MeSH D009386, MONDO:0015356.
Cardiovascular phenotype. Identifiers: MedGen CN230736.
Neurofibromatosis, type 1 (NF1). Also called: Peripheral type neurofibromatosis; VON RECKLINGHAUSEN DISEASE; Neurofibromatosis, type I; NEUROFIBROMATOSIS, TYPE I, SOMATIC. Identifiers: Orphanet 636, MedGen C0027831, MONDO:0018975, OMIM 162200. Disease mechanism: loss of function.

Submissions (2):

Ambry Genetics
Classification: Likely benign for Cardiovascular phenotype; Hereditary cancer-predisposing syndrome. Last evaluated: 2026-07-09. Review status: criteria provided, single submitter. Criteria: Ambry Variant Classification Scheme 2023. Collection method: clinical testing. Allele origin: germline.

Labcorp Genetics (formerly Invitae), Labcorp
Classification: Uncertain significance for Neurofibromatosis, type 1. Last evaluated: 2019-10-15. Review status: criteria provided, single submitter. Criteria: Invitae Variant Classification Sherloc (09022015). Collection method: clinical testing. Allele origin: germline.
Comment: In summary, the available evidence is currently insufficient to determine the role of this variant in disease. Therefore, it has been classified as a Variant of Uncertain Significance. Algorithms developed to predict the effect of missense changes on protein structure and function (SIFT, PolyPhen-2, Align-GVGD) all suggest that this variant is likely to be tolerated, but these predictions have not been confirmed by published functional studies and their clinical significance is uncertain. This variant has not been reported in the literature in individuals with NF1-related conditions. This variant is not present in population databases (ExAC no frequency). This sequence change replaces proline with arginine at codon 2462 of the NF1 protein (p.Pro2462Arg). The proline residue is weakly conserved and there is a moderate physicochemical difference between proline and arginine.